The following is an entry in ClinVar:

NM_001165963.4(SCN1A):c.1082_1092del (p.Gly361fs)

Gene: SCN1A (sodium voltage-gated channel alpha subunit 1; minus strand). Cytogenetic location: 2q24.3.
Variant type: Deletion.
Coding change: c.1082_1092del on transcript NM_001165963.4 (MANE Select); coding-DNA positions 1082 to 1092, 11 bases deleted (GCTACACAAGC).
Protein change: p.Gly361fs; shifts the reading frame from glycine 361.
Molecular consequence: frameshift variant. On other transcripts: 5 prime UTR variant (1), non-coding transcript variant (1).
Genome position (GRCh38, 1-based): chr2:166,047,705-166,047,715, GCTTGTGTAGC deleted on the plus strand (GCTACACAAGC on the coding strand, the reverse complement: SCN1A is on the minus strand). VCF-style (leftmost placement, unchanged base first): chr2-166047704-AGCTTGTGTAGC-A. GRCh37 (hg19) VCF-style: chr2-166904214-AGCTTGTGTAGC-A.
Other names: c.1082_1092del, p.Gly361fs (NM_001165964.3, NM_001202435.3, NM_001353948.2 and 10 more transcripts); c.-1344_-1334del (NM_001353961.2); short protein forms G361fs.
Identifiers: ClinVar variation 1697302 (VCV001697302.1), dbSNP rs2105867534, ClinGen allele CA2580064390.
Genomic context (GRCh38, chr2:166,047,704, plus strand): 5'-CCCAGAAGTCCTGAGTCATTAGTCGAAACAAGGACAAAAAAGCCCAACTGAAGGTATCAA[AGCTTGTGTAGC>A]CATAATTGGGATTTCTACCAGCTTTCACACACATATATCCCTCTGGACATTGGCTGCAAG-3'

ClinVar aggregate classification (germline): Likely pathogenic (1 of 4 stars; one submission).

Conditions:
Severe myoclonic epilepsy in infancy (DRVT). Also called: Dravet syndrome; SEVERE MYOCLONIC EPILEPSY OF INFANCY; Epileptic encephalopathy, early infantile, 6 (Dravet syndrome); DEVELOPMENTAL AND EPILEPTIC ENCEPHALOPATHY 6A; Severe Myoclonic Epilepsy in Infancy (SMEI). Identifiers: Orphanet 33069, MedGen C0751122, MONDO:0100135, OMIM 607208.

Submission:

Institute of Human Genetics, University of Leipzig Medical Center
Classification: Likely pathogenic for Severe myoclonic epilepsy in infancy. Last evaluated: 2022-07-05. Review status: criteria provided, single submitter. Criteria: ACMG Guidelines, 2015. Collection method: clinical testing. Allele origin: unknown. Affected: yes.
Comment: _x000D_ Criteria applied: PVS1, PM2_SUP